The following is an entry in ClinVar:

NM_016529.6(ATP8A2):c.2858G>A (p.Gly953Asp)

Gene: ATP8A2 (ATPase phospholipid transporting 8A2). Cytogenetic location: 13q12.13.
Variant type: single nucleotide variant.
Coding change: c.2858G>A on transcript NM_016529.6 (MANE Select); coding-DNA position 2858, G replaced by A.
Protein change: p.Gly953Asp; replaces glycine 953 with aspartic acid.
Molecular consequence: missense variant.
Genome position (GRCh38, 1-based): chr13:25,837,266, G>A. VCF-style: chr13-25837266-G-A. GRCh37 (hg19) VCF-style: chr13-26411404-G-A.
Other names: c.2663G>A, p.Gly888Asp (NM_001313741.1); short protein forms G888D, G953D.
Identifiers: ClinVar variation 1358851 (VCV001358851.8), dbSNP rs2138647011, ClinGen allele CA387682974.
Genomic context (GRCh38, chr13:25,837,266, plus strand): 5'-GGTCTTGCACTCAGGAGAGCATGCTCAGGTTTCCCCAGCTCTACAAAATCACCCAGAATG[G>A]CGAAGGCTTCAACACAAAGGTAAACAGAGTGTGATCTCAGAACTGTCACCTCAGAAAGGC-3'
Protein context (NP_057613.4, residues 943-963): FPQLYKITQN[Gly953Asp]EGFNTKVFWG

ClinVar aggregate classification (germline): Uncertain significance (1 of 4 stars; one submission).

Submission:

Labcorp Genetics (formerly Invitae), Labcorp
Classification: Uncertain significance. Last evaluated: 2022-08-23. Review status: criteria provided, single submitter. Criteria: Invitae Variant Classification Sherloc (09022015). Collection method: clinical testing. Allele origin: germline.
Comment: Algorithms developed to predict the effect of missense changes on protein structure and function are either unavailable or do not agree on the potential impact of this missense change (SIFT: "Deleterious"; PolyPhen-2: "Benign"; Align-GVGD: "Class C0"). In summary, the available evidence is currently insufficient to determine the role of this variant in disease. Therefore, it has been classified as a Variant of Uncertain Significance. ClinVar contains an entry for this variant (Variation ID: 1358851). This variant has not been reported in the literature in individuals affected with ATP8A2-related conditions. This variant is not present in population databases (gnomAD no frequency). This sequence change replaces glycine, which is neutral and non-polar, with aspartic acid, which is acidic and polar, at codon 953 of the ATP8A2 protein (p.Gly953Asp).